The following is an entry in ClinVar:

NM_004656.4(BAP1):c.2001G>T (p.Arg667Ser)

Gene: BAP1 (BRCA1 associated deubiquitinase 1; minus strand). Cytogenetic location: 3p21.1.
Variant type: single nucleotide variant.
Coding change: c.2001G>T on transcript NM_004656.4 (MANE Select); coding-DNA position 2001, G replaced by T.
Protein change: p.Arg667Ser; replaces arginine 667 with serine.
Molecular consequence: missense variant.
Genome position (GRCh38, 1-based): chr3:52,402,657, C>A on the plus strand (G>T on the coding strand, the complement: BAP1 is on the minus strand). VCF-style: chr3-52402657-C-A. GRCh37 (hg19) VCF-style: chr3-52436673-C-A.
Other names: c.1947G>T, p.Arg649Ser (NM_001410772.1); short protein forms R649S, R667S.
Identifiers: ClinVar variation 2094424 (VCV002094424.4), dbSNP rs2153226217, ClinGen allele CA353096336.

ClinVar aggregate classification (germline): Uncertain significance (1 of 4 stars; one submission).

Conditions:
BAP1-related tumor predisposition syndrome (TPDS1). Also called: COMMON Syndrome; TUMOR PREDISPOSITION SYNDROME 1; BAP1 tumor predisposition syndrome; Tumor susceptibility linked to germline BAP1 mutations. Identifiers: Orphanet 289539, MedGen C3280492, MONDO:0013692, OMIM 614327.

Submission:

Labcorp Genetics (formerly Invitae), Labcorp
Classification: Uncertain significance for BAP1-related tumor predisposition syndrome. Last evaluated: 2022-02-07. Review status: criteria provided, single submitter. Criteria: Invitae Variant Classification Sherloc (09022015). Collection method: clinical testing. Allele origin: germline.
Comment: In summary, the available evidence is currently insufficient to determine the role of this variant in disease. Therefore, it has been classified as a Variant of Uncertain Significance. Algorithms developed to predict the effect of sequence changes on RNA splicing suggest that this variant may create or strengthen a splice site. Algorithms developed to predict the effect of missense changes on protein structure and function (SIFT, PolyPhen-2, Align-GVGD) all suggest that this variant is likely to be disruptive. This variant has not been reported in the literature in individuals affected with BAP1-related conditions. This variant is not present in population databases (gnomAD no frequency). This sequence change replaces arginine, which is basic and polar, with serine, which is neutral and polar, at codon 667 of the BAP1 protein (p.Arg667Ser).